The following is an entry in ClinVar:

ClinVar aggregate classification (germline): Uncertain significance. Review status: criteria provided, multiple submitters, no conflicts (2 of 4 stars). 2 submissions from 2 submitters: Uncertain significance (2). Last evaluated 2025-05-11.

Conditions:
Ullrich congenital muscular dystrophy 2 (UCMD2). Identifiers: Orphanet 75840, MedGen C4225314, MONDO:0014654, OMIM 616470.
Bethlem myopathy 2 (BTHLM2). Identifiers: Orphanet 536516, Orphanet 610, MedGen C4225313, MONDO:0034022, OMIM 616471.

Allele frequency attached by ClinVar (database versions not stated): gnomAD exomes 0.00001; ExAC 0.00001.
gnomAD v4.1: 6 of 1,611,226 alleles (0.00037%); highest among the groups gnomAD compares: Middle Eastern, 0.066%; no homozygotes.

Submissions (2):

Labcorp Genetics (formerly Invitae), Labcorp
Classification: Uncertain significance for Bethlem myopathy 2; Ullrich congenital muscular dystrophy 2. Last evaluated: 2025-05-11. Review status: criteria provided, single submitter. Criteria: Invitae Variant Classification Sherloc (09022015). Collection method: clinical testing. Allele origin: germline.
Comment: This sequence change replaces valine, which is neutral and non-polar, with isoleucine, which is neutral and non-polar, at codon 1510 of the COL12A1 protein (p.Val1510Ile). This variant is present in population databases (rs753396580, gnomAD 0.003%). This variant has not been reported in the literature in individuals affected with COL12A1-related conditions. ClinVar contains an entry for this variant (Variation ID: 2931491). Invitae Evidence Modeling of protein sequence and biophysical properties (such as structural, functional, and spatial information, amino acid conservation, physicochemical variation, residue mobility, and thermodynamic stability) indicates that this missense variant is not expected to disrupt COL12A1 protein function with a negative predictive value of 80%. In summary, the available evidence is currently insufficient to determine the role of this variant in disease. Therefore, it has been classified as a Variant of Uncertain Significance.

Revvity Omics, Revvity
Classification: Uncertain significance. Last evaluated: 2023-10-23. Review status: criteria provided, single submitter. Criteria: ACMG Guidelines, 2015. Collection method: clinical testing. Allele origin: germline.

NM_004370.6(COL12A1):c.4528G>A (p.Val1510Ile)

Gene: COL12A1 (collagen type XII alpha 1 chain; minus strand). Cytogenetic location: 6q13.
Variant type: single nucleotide variant.
Coding change: c.4528G>A on transcript NM_004370.6 (MANE Select); coding-DNA position 4528, G replaced by A.
Protein change: p.Val1510Ile; replaces valine 1510 with isoleucine.
Molecular consequence: missense variant.
Genome position (GRCh38, 1-based): chr6:75,146,134, C>T on the plus strand (G>A on the coding strand, the complement: COL12A1 is on the minus strand). VCF-style: chr6-75146134-C-T. GRCh37 (hg19) VCF-style: chr6-75855850-C-T.
Other names: c.4528G>A, p.Val1510Ile (NM_001424113.1, NM_001424114.1); c.4255G>A, p.Val1419Ile (NM_001424115.1); c.1036G>A, p.Val346Ile (NM_001424116.1, NM_080645.3); short protein forms V1510I, V1419I, V346I.
Identifiers: ClinVar variation 2931491 (VCV002931491.4), dbSNP rs753396580, ClinGen allele CA3893429.
Genomic context (GRCh38, chr6:75,146,134, plus strand): 5'-CAATGTTAAAGAAACAAACATCTTTCACCTCTTTGGGTCTTGTTGGCTCTGTGTCCTTAA[C>T]AGGTTTGTATGACAAGATGTAGCCAGTAGCTCCTCCCACAGGCTGCCACTGCACATGCAT-3'
Protein context (NP_004361.3, residues 1500-1520): ATGYILSYKP[Val1510Ile]KDTEPTRPKE